The following is an entry in ClinVar:

ClinVar aggregate classification (germline): Benign/Likely benign. Review status: criteria provided, multiple submitters, no conflicts (2 of 4 stars). 7 submissions from 6 submitters: Benign (1); Likely benign (6). Last evaluated 2026-01-10.

Conditions:
Charcot-Marie-Tooth disease axonal type 2L. Also called: CHARCOT-MARIE-TOOTH DISEASE, AXONAL, AUTOSOMAL DOMINANT, TYPE 2L; CHARCOT-MARIE-TOOTH NEUROPATHY, AXONAL, TYPE 2L; Charcot-Marie-Tooth Neuropathy Type 2L. Identifiers: Orphanet 99945, MedGen C1837552, MONDO:0012096, OMIM 608673.
Neuronopathy, distal hereditary motor, type 2A. Also called: CHARCOT-MARIE-TOOTH DISEASE, SPINAL, IIA; NEURONOPATHY, DISTAL HEREDITARY MOTOR, AUTOSOMAL DOMINANT 2; NEURONOPATHY, DISTAL HEREDITARY MOTOR, HARDING TYPE IIA; NEUROPATHY, DISTAL HEREDITARY MOTOR, HARDING TYPE IIA; SPINAL MUSCULAR ATROPHY, DISTAL, ADULT, AUTOSOMAL DOMINANT, HARDING TYPE IIA; HMN IIA. Identifiers: Orphanet 139525, MedGen C1834692, MONDO:0008025, OMIM 158590.
HSPB8-related disorder. Also called: HSPB8-related condition.
Inborn genetic diseases. Identifiers: MedGen C0950123, MeSH D030342.

Allele frequency attached by ClinVar (database versions not stated): TOPMed 0.00028; ESP Exome Variant Server 0.00069.
gnomAD v4.1: 620 of 1,612,080 alleles (0.038%); highest among the groups gnomAD compares: Non-Finnish European, 0.048%; no homozygotes.

Submissions (7):

Labcorp Genetics (formerly Invitae), Labcorp
Classification: Likely benign for Charcot-Marie-Tooth disease axonal type 2L. Last evaluated: 2026-01-10. Review status: criteria provided, single submitter. Criteria: Invitae Variant Classification Sherloc (09022015). Collection method: clinical testing. Allele origin: germline.

PreventionGenetics, part of Exact Sciences
Classification: Likely benign for HSPB8-related condition. Last evaluated: 2025-03-17. Review status: criteria provided, single submitter. Criteria: ACMG Guidelines, 2015. Collection method: clinical testing. Allele origin: germline.
Comment: This variant is classified as likely benign based on ACMG/AMP sequence variant interpretation guidelines (Richards et al. 2015 PMID: 25741868, with internal and published modifications).

CeGaT Center for Human Genetics Tuebingen
Classification: Likely benign. Last evaluated: 2022-12-01. Review status: criteria provided, single submitter. Criteria: CeGaT Center For Human Genetics Tuebingen Variant Classification Criteria Version 2. Collection method: clinical testing. Allele origin: germline. Affected: yes. Observed: 2 variant alleles.
Comment: HSPB8: BS2

Ambry Genetics
Classification: Likely benign for Inborn genetic diseases. Last evaluated: 2020-02-19. Review status: criteria provided, single submitter. Criteria: Ambry Variant Classification Scheme 2023. Collection method: clinical testing. Allele origin: germline.

Athena Diagnostics
Classification: Likely benign. Last evaluated: 2019-03-12. Review status: criteria provided, single submitter. Criteria: Athena Diagnostics Criteria. Collection method: clinical testing. Allele origin: germline.

Illumina Laboratory Services, Illumina
Classification: Benign for Neuronopathy, distal hereditary motor, type 2A. Last evaluated: 2018-01-13. Review status: criteria provided, single submitter. Criteria: ICSL Variant Classification Criteria 13 December 2019. Collection method: clinical testing. Allele origin: germline.
Comment: This variant was observed in the ICSL laboratory as part of a predisposition screen in an ostensibly healthy population. It had not been previously curated by ICSL or reported in the Human Gene Mutation Database (HGMD: prior to June 1st, 2018), and was therefore a candidate for classification through an automated scoring system. Utilizing variant allele frequency, disease prevalence and penetrance estimates, and inheritance mode, an automated score was calculated to assess if this variant is too frequent to cause the disease. Based on the score and internal cut-off values, a variant classified as benign is not then subjected to further curation. The score for this variant resulted in a classification of benign for this disease.

Illumina Laboratory Services, Illumina
Classification: Likely benign for Charcot-Marie-Tooth disease axonal type 2L. Last evaluated: 2018-01-13. Review status: criteria provided, single submitter. Criteria: ICSL Variant Classification Criteria 13 December 2019. Collection method: clinical testing. Allele origin: germline.
Comment: This variant was observed in the ICSL laboratory as part of a predisposition screen in an ostensibly healthy population. It had not been previously curated by ICSL or reported in the Human Gene Mutation Database (HGMD: prior to June 1st, 2018), and was therefore a candidate for classification through an automated scoring system. Utilizing variant allele frequency, disease prevalence and penetrance estimates, and inheritance mode, an automated score was calculated to assess if this variant is too frequent to cause the disease. Based on the score and internal cut-off values, a variant classified as likely benign is not then subjected to further curation. The score for this variant resulted in a classification of likely benign for this disease.

NM_014365.3(HSPB8):c.266C>G (p.Pro89Arg)

Gene: HSPB8 (heat shock protein family B (small) member 8; plus strand). Cytogenetic location: 12q24.23.
Variant type: single nucleotide variant.
Coding change: c.266C>G on transcript NM_014365.3 (MANE Select); coding-DNA position 266, C replaced by G.
Protein change: p.Pro89Arg; replaces proline 89 with arginine.
Molecular consequence: missense variant.
Genome position (GRCh38, 1-based): chr12:119,179,578, C>G. VCF-style: chr12-119179578-C-G. GRCh37 (hg19) VCF-style: chr12-119617383-C-G.
Other names: short protein forms P89R.
Identifiers: ClinVar variation 307417 (VCV000307417.60), dbSNP rs35909818, ClinGen allele CA6819538.
Genomic context (GRCh38, chr12:119,179,578, plus strand): 5'-TGCCCCGGGGCCCCACTGCCACCGCCAGGTTTGGGGTGCCTGCCGAGGGCAGGACCCCCC[C>G]ACCCTTCCCTGGGGAGCCCTGGAAAGTGTGTGTGAATGTGCACAGCTTCAAGCCAGAGGA-3'
Protein context (NP_055180.1, residues 79-99): FGVPAEGRTP[Pro89Arg]PFPGEPWKVC